The following is an entry in ClinVar:

ClinVar aggregate classification (germline): Uncertain significance. Review status: criteria provided, multiple submitters, no conflicts (2 of 4 stars). 2 submissions from 2 submitters: Uncertain significance (2). Last evaluated 2026-04-01.

gnomAD v4.1: 82 of 1,610,862 alleles (0.0051%); highest among the groups gnomAD compares: African/African-American, 0.012%; 1 homozygote.

Submissions (2):

CeGaT Center for Human Genetics Tuebingen
Classification: Uncertain significance. Last evaluated: 2026-04-01. Review status: criteria provided, single submitter. Criteria: CeGaT Center For Human Genetics Tuebingen Variant Classification Criteria Version 2. Collection method: clinical testing. Allele origin: germline. Affected: yes. Observed: 1 variant allele.
Comment: KIF26A: PM2, PM1:Supporting

Ambry Genetics
Classification: Uncertain significance. Last evaluated: 2024-07-26. Review status: criteria provided, single submitter. Criteria: Ambry Variant Classification Scheme 2023. Collection method: clinical testing. Allele origin: germline.

NM_015656.2(KIF26A):c.1879C>T (p.Arg627Cys)

Gene: KIF26A (kinesin family member 26A; plus strand). Cytogenetic location: 14q32.33.
Variant type: single nucleotide variant.
Coding change: c.1879C>T on transcript NM_015656.2 (MANE Select); coding-DNA position 1879, C replaced by T.
Protein change: p.Arg627Cys; replaces arginine 627 with cysteine.
Molecular consequence: missense variant.
Genome position (GRCh38, 1-based): chr14:104,173,717, C>T. VCF-style: chr14-104173717-C-T. GRCh37 (hg19) VCF-style: chr14-104640054-C-T.
Other names: short protein forms R627C.
Identifiers: ClinVar variation 3534275 (VCV003534275.3).
Genomic context (GRCh38, chr14:104,173,717, plus strand): 5'-ATCTGGGGGCCCCTGGCTACACCATCATTTGCTTGCCTTGTGGTTCCAGTGTCCGGAGGC[C>T]GCAGCCGCCTGCACCTCATCGACCTGGGCAGCTGTGAGGCGGCGGCTGGCAGGGCCGGGG-3'
Protein context (NP_056471.1, residues 617-637): KCGRGGMSGG[Arg627Cys]SRLHLIDLGS